The following is an entry in ClinVar:

ClinVar aggregate classification (germline): Uncertain significance (1 of 4 stars; one submission).

Conditions:
Congenital myopathy with fiber type disproportion. Also called: Congenital fiber-type disproportion; Congenital fiber-type disproportion myopathy. Identifiers: Orphanet 2020, MedGen C0546264, MONDO:0009711. Inheritance: all.
Congenital myopathy 4B, autosomal recessive. Also called: Nemaline myopathy 1, autosomal dominant or recessive. Identifiers: Orphanet 171433, Orphanet 171439, Orphanet 171881, MedGen C5829889, MONDO:0012239, OMIM 609284.

Allele frequency attached by ClinVar (database versions not stated): gnomAD exomes 0.00001 and 0.00003; gnomAD 0.00002 and 0.00003; TOPMed 0.00002; ExAC 0.00003.
gnomAD v4.1: 21 of 1,613,816 alleles (0.0013%); highest among the groups gnomAD compares: Non-Finnish European, 0.0016%; no homozygotes.

Submission:

Labcorp Genetics (formerly Invitae), Labcorp
Classification: Uncertain significance for Congenital myopathy with fiber type disproportion; Congenital myopathy 4B, autosomal recessive. Last evaluated: 2024-12-04. Review status: criteria provided, single submitter. Criteria: Invitae Variant Classification Sherloc (09022015). Collection method: clinical testing. Allele origin: germline.
Comment: This sequence change replaces glutamic acid, which is acidic and polar, with alanine, which is neutral and non-polar, at codon 29 of the TPM3 protein (p.Glu29Ala). This variant is present in population databases (no rsID available, gnomAD 0.006%). This variant has not been reported in the literature in individuals affected with TPM3-related conditions. ClinVar contains an entry for this variant (Variation ID: 1508214). Invitae Evidence Modeling of protein sequence and biophysical properties (such as structural, functional, and spatial information, amino acid conservation, physicochemical variation, residue mobility, and thermodynamic stability) indicates that this missense variant is not expected to disrupt TPM3 protein function with a negative predictive value of 95%. In summary, the available evidence is currently insufficient to determine the role of this variant in disease. Therefore, it has been classified as a Variant of Uncertain Significance.

NM_152263.4(TPM3):c.86A>C (p.Glu29Ala)

Gene: TPM3 (tropomyosin 3; minus strand). Cytogenetic location: 1q21.3.
Variant type: single nucleotide variant.
Coding change: c.86A>C on transcript NM_152263.4 (MANE Select); coding-DNA position 86, A replaced by C.
Protein change: p.Glu29Ala; replaces glutamic acid 29 with alanine.
Molecular consequence: missense variant. On other transcripts: non-coding transcript variant (1).
Genome position (GRCh38, 1-based): chr1:154,191,933, T>G on the plus strand (A>C on the coding strand, the complement: TPM3 is on the minus strand). VCF-style: chr1-154191933-T-G. GRCh37 (hg19) VCF-style: chr1-154164409-T-G.
Other names: c.86A>C, p.Glu29Ala (NM_001364679.2, NM_001364680.2, NM_001364681.2 and 1 more transcripts); short protein forms E29A.
Identifiers: ClinVar variation 1508214 (VCV001508214.8), dbSNP rs1049537934, ClinGen allele CA1125830.
Genomic context (GRCh38, chr1:154,191,933, plus strand): 5'-AGATGAGAGAGATCAATGCCAGTGCCTACCTGTTTACTTCTTTCTTCTGCCTGCTTCTGC[T>G]CAGCTTCAGCTTGCTCTGCCCGATCCAGAGCATTCTCCTTGTCTAACTTCAGCATCTGCA-3'
Protein context (NP_689476.2, residues 19-39): ALDRAEQAEA[Glu29Ala]QKQAEERSKQ